The following is an entry in ClinVar:

NM_007194.4(CHEK2):c.100_101del (p.Gln34fs)

Gene: CHEK2 (checkpoint kinase 2; minus strand). Cytogenetic location: 22q12.1.
Variant type: Microsatellite.
Coding change: c.100_101del on transcript NM_007194.4 (MANE Select); coding-DNA positions 100 to 101, 2 bases deleted (CA; older notation c.100_101delCA).
Protein change: p.Gln34fs; shifts the reading frame from glutamine 34.
Molecular consequence: frameshift variant.
Genome position (GRCh38, 1-based): chr22:28,734,621-28,734,622, TG deleted on the plus strand (CA on the coding strand, the reverse complement: CHEK2 is on the minus strand); deleting any 2 consecutive bases within chr22:28,734,621-28,734,624 gives the same sequence; the c. name uses the placement nearest the transcript's 3' end. VCF-style (leftmost placement, unchanged base first): chr22-28734620-CTG-C. GRCh37 (hg19) VCF-style: chr22-29130608-CTG-C.
Other names: c.100_101del (NM_007194.3); c.98_99CA[1], p.Gln34Valfs (NM_001005735.3, NM_001349956.3, NM_145862.3); c.-680_-679CA[1] (NM_001257387.3); c.100_101delCA (NM_007194.3); short protein forms Q34fs.
Identifiers: ClinVar variation 989411 (VCV000989411.16), dbSNP rs2054330803, ClinGen allele CA2400256890.

ClinVar aggregate classification (germline): Pathogenic/Likely pathogenic. Review status: criteria provided, multiple submitters, no conflicts (2 of 4 stars). 6 submissions from 6 submitters: Pathogenic (4); Likely pathogenic (1). 1 of the submissions does not count toward it. Last evaluated 2024-02-07.

Conditions:
Breast and/or ovarian cancer. Identifiers: MedGen CN221562.
Hereditary cancer-predisposing syndrome. Also called: Neoplastic Syndromes, Hereditary; Hereditary neoplastic syndrome; Tumor predisposition; Hereditary Cancer Syndrome. Identifiers: Orphanet 140162, MedGen C0027672, MeSH D009386, MONDO:0015356.
Familial cancer of breast. Also called: Hereditary breast cancer; BREAST CANCER, FAMILIAL; hereditary breast carcinoma. Identifiers: Orphanet 227535, MedGen C0346153, MONDO:0016419, OMIM 114480. Disease mechanism: loss of function.

Submissions (6):

Ambry Genetics
Classification: Pathogenic for Hereditary cancer-predisposing syndrome. Last evaluated: 2024-02-07. Review status: criteria provided, single submitter. Criteria: Ambry Variant Classification Scheme 2023. Collection method: clinical testing. Allele origin: germline.
Comment: The c.100_101delCA pathogenic mutation, located in coding exon 1 of the CHEK2 gene, results from a deletion of two nucleotides at nucleotide positions 100 to 101, causing a translational frameshift with a predicted alternate stop codon (p.Q34Vfs*42). This variant has been reported in 1 of 1928 individuals with breast and/or ovarian cancer and 0 of 3360 healthy controls (Kleiblova P et al. Int J Cancer, 2019 Oct;145:1782-1797). This variant is considered to be rare based on population cohorts in the Genome Aggregation Database (gnomAD). In addition to the clinical data presented in the literature, this alteration is expected to result in loss of function by premature protein truncation or nonsense-mediated mRNA decay. As such, this alteration is interpreted as a disease-causing mutation.

GeneDx
Classification: Likely pathogenic. Last evaluated: 2023-07-06. Review status: criteria provided, single submitter. Criteria: GeneDx Variant Classification Process June 2021. Collection method: clinical testing. Allele origin: germline. Affected: yes.
Comment: Frameshift variant predicted to result in protein truncation or nonsense mediated decay in a gene for which loss of function is a known mechanism of disease; Not observed at significant frequency in large population cohorts (gnomAD); Identified in individual(s) with breast and/or ovarian cancer (Kleiblova et al., 2019); This variant is associated with the following publications: (PMID: 31050813)

Myriad Genetics, Inc.
Classification: Pathogenic for Familial cancer of breast. Last evaluated: 2023-06-22. Review status: criteria provided, single submitter. Criteria: Myriad Autosomal Dominant, Autosomal Recessive and X-Linked Classification Criteria (2023). Collection method: clinical testing. Allele origin: unknown.
Comment: This variant is considered pathogenic. This variant creates a frameshift predicted to result in premature protein truncation.

Color Diagnostics, LLC DBA Color Health
Classification: Pathogenic for Hereditary cancer-predisposing syndrome. Last evaluated: 2022-09-26. Review status: criteria provided, single submitter. Criteria: ACMG Guidelines, 2015. Collection method: clinical testing. Allele origin: germline.
Comment: This variant deletes 2 nucleotides in exon 2 of the CHEK2 gene, creating a frameshift and premature translation stop signal. This variant is expected to result in an absent or non-functional protein product. To our knowledge, this variant has not been reported in individuals affected with hereditary cancer in the literature. This variant has not been identified in the general population by the Genome Aggregation Database (gnomAD). Loss of CHEK2 function is a known mechanism of disease. Based on the available evidence, this variant is classified as Pathogenic.

Labcorp Genetics (formerly Invitae), Labcorp
Classification: Pathogenic for Familial cancer of breast. Last evaluated: 2020-03-22. Review status: criteria provided, single submitter. Criteria: Invitae Variant Classification Sherloc (09022015). Collection method: clinical testing. Allele origin: germline.
Comment: Loss-of-function variants in CHEK2 are known to be pathogenic (PMID: 21876083, 24713400). For these reasons, this variant has been classified as Pathogenic. This variant has been observed in individual(s) with breast and ovarian cancer (PMID: 31050813). This variant is not present in population databases (ExAC no frequency). This sequence change creates a premature translational stop signal (p.Gln34Valfs*42) in the CHEK2 gene. It is expected to result in an absent or disrupted protein product.

CZECANCA consortium
Classification: Pathogenic for Breast and/or ovarian cancer. Last evaluated: 2019-06-11. Review status: no assertion criteria provided. Collection method: clinical testing. Allele origin: germline. Affected: yes. Observed: 1 variant allele. Not counted in ClinVar's aggregate classification.

Literature cited by the submitters: PubMed 31050813 (cited by Ambry Genetics and Labcorp Genetics (formerly Invitae), Labcorp); PubMed 21876083 (cited by Labcorp Genetics (formerly Invitae), Labcorp); PubMed 24713400 (cited by Labcorp Genetics (formerly Invitae), Labcorp); PubMed 32295079 (cited by CZECANCA consortium).